The following is an entry in ClinVar:

ClinVar aggregate classification (germline): Likely pathogenic (1 of 4 stars; one submission).

Conditions:
KBG syndrome (KBGS). Also called: ANKRD11-Related KBG Syndrome. Identifiers: Orphanet 2332, MedGen C0220687, MONDO:0007846, OMIM 148050.

Submission:

3billion
Classification: Likely pathogenic for KBG syndrome. Last evaluated: 2024-06-27. Review status: criteria provided, single submitter. Criteria: ACMG Guidelines, 2015. Collection method: clinical testing. Allele origin: germline. Affected: yes.
Comment: The variant is not observed in the gnomAD v4.0.0 dataset. Predicted Consequence/Location: Frameshift: predicted to result in a loss or disruption of normal protein function through nonsense-mediated decay (NMD) or protein truncation. Multiple pathogenic variants are reported downstream of the variant. Therefore, this variant is classified as Likely pathogenic according to the recommendation of ACMG/AMP guideline.

NM_013275.6(ANKRD11):c.543_552del (p.Arg182fs)

Gene: ANKRD11 (ankyrin repeat domain 11; minus strand). Cytogenetic location: 16q24.3.
Variant type: Deletion.
Coding change: c.543_552del on transcript NM_013275.6 (MANE Select); coding-DNA positions 543 to 552, 10 bases deleted (CCGGCGCATC; older notation c.543_552delCCGGCGCATC).
Protein change: p.Arg182fs; shifts the reading frame from arginine 182.
Molecular consequence: frameshift variant. On other transcripts: non-coding transcript variant (1).
Genome position (GRCh38, 1-based): chr16:89,290,674-89,290,683, GATGCGCCGG deleted on the plus strand (CCGGCGCATC on the coding strand, the reverse complement: ANKRD11 is on the minus strand); deleting any 10 consecutive bases within chr16:89,290,674-89,290,684 gives the same sequence; the c. name uses the placement nearest the transcript's 3' end. VCF-style (leftmost placement, unchanged base first): chr16-89290673-TGATGCGCCGG-T. GRCh37 (hg19) VCF-style: chr16-89357081-TGATGCGCCGG-T.
Other names: c.543_552del, p.Arg182fs (NM_001256182.2, NM_001256183.2); short protein forms R182fs.
Identifiers: ClinVar variation 4291785 (VCV004291785.1).